The following is an entry in ClinVar:

ClinVar aggregate classification (germline): Uncertain significance. Review status: criteria provided, single submitter (1 of 4 stars). 2 submissions from 2 submitters: Uncertain significance (1). 1 of the submissions does not count toward it. Last evaluated 2023-10-03.

Conditions:
EYA1-related disorder. Also called: EYA1-related condition.
Inborn genetic diseases. Identifiers: MedGen C0950123, MeSH D030342.

Allele frequency attached by ClinVar (database versions not stated): TOPMed below 0.00001; ExAC 0.00001; gnomAD exomes 0.00001.
gnomAD v4.1: 10 of 1,612,308 alleles (0.00062%); highest among the groups gnomAD compares: Non-Finnish European, 0.00085%; no homozygotes.

Submissions (2):

Ambry Genetics
Classification: Uncertain significance for Inborn genetic diseases. Last evaluated: 2023-10-03. Review status: criteria provided, single submitter. Criteria: Ambry Variant Classification Scheme 2023. Collection method: clinical testing. Allele origin: germline.

PreventionGenetics, part of Exact Sciences
Classification: Uncertain significance for EYA1-related condition. Last evaluated: 2024-07-03. Review status: no assertion criteria provided. Collection method: clinical testing. Allele origin: germline. Not counted in ClinVar's aggregate classification.
Comment: The EYA1 c.271A>G variant is predicted to result in the amino acid substitution p.Asn91Asp. To our knowledge, this variant has not been reported in the literature. This variant is reported in 0.00088% of alleles in individuals of European (non-Finnish) descent in gnomAD. At this time, the clinical significance of this variant is uncertain due to the absence of conclusive functional and genetic evidence.

NM_000503.6(EYA1):c.271A>G (p.Asn91Asp)

Gene: EYA1 (EYA transcriptional coactivator and phosphatase 1; minus strand). Cytogenetic location: 8q13.3.
Variant type: single nucleotide variant.
Coding change: c.271A>G on transcript NM_000503.6 (MANE Select); coding-DNA position 271, A replaced by G.
Protein change: p.Asn91Asp; replaces asparagine 91 with aspartic acid.
Molecular consequence: missense variant. On other transcripts: 5 prime UTR variant (1).
Genome position (GRCh38, 1-based): chr8:71,322,200, T>C on the plus strand (A>G on the coding strand, the complement: EYA1 is on the minus strand). VCF-style: chr8-71322200-T-C. GRCh37 (hg19) VCF-style: chr8-72234435-T-C.
Other names: c.271A>G, p.Lys91Glu (NM_001288574.2); c.-14A>G (NM_001288575.2); c.358A>G, p.Asn120Asp (NM_001370333.1, NM_172059.5); c.271A>G, p.Asn91Asp (NM_001370334.1, NM_001370335.1, NM_172058.4); c.358A>G, p.Lys120Glu (NM_001370336.1); c.172A>G, p.Asn58Asp (NM_001411797.1, NM_172060.4); c.271A>G (NM_172058.3); short protein forms K120E, K91E, N58D, N120D, N91D.
Identifiers: ClinVar variation 3091309 (VCV003091309.2), dbSNP rs750621028, ClinGen allele CA4779838.
Genomic context (GRCh38, chr8:71,322,200, plus strand): 5'-AAATAAATAAAAGTCTACTCAGAGAAGTTATTTATTGATTAAGAGAAAATACATCTTACT[T>C]GGAAGGGTAAATCTGTGGTGGAGAGAACTGGTGAGTTGGTCGTGGGCTGAAACTACTGCT-3'
Protein context (NP_000494.2, residues 81-101): QFSPPQIYPS[Asn91Asp]RPYPHILPTP